The following is an entry in ClinVar:

ClinVar aggregate classification (germline): Likely pathogenic (1 of 4 stars; one submission).

Conditions:
Developmental and epileptic encephalopathy 99. Identifiers: MedGen C5562018, MONDO:0030473, OMIM 619606.

Submission:

3billion
Classification: Likely pathogenic for Developmental and epileptic encephalopathy 99. Last evaluated: 2022-01-03. Review status: criteria provided, single submitter. Criteria: ACMG Guidelines, 2015. Collection method: clinical testing. Allele origin: germline. Affected: yes. Observed: 1 heterozygote.
Comment: Same nucleotide change resulting in same amino acid change has been previously reported to be associated with ATP1A3 related disorder (ClinVar ID: VCV000161141, PMID:24523486, PS1_P). A different missense change at the same codon has been reported to be associated with ATP1A3 related disorder (PMID:24842602,25996915, PM5_P). In silico tool predictions suggest damaging effect of the variant on gene or gene product (REVEL: 0.949, 3CNET: 0.987, PP3_P). A missense variant is a common mechanism associated with Developmental and epileptic encephalopathy 99 (PP2_P). It is not observed in the gnomAD v2.1.1 dataset (PM2_M). Therefore, this variant is classified as likely pathogenic according to the recommendation of ACMG/AMP guideline.

Literature cited by the submitters: PubMed 24842602; PubMed 24523486.

NM_152296.5(ATP1A3):c.2415C>A (p.Asp805Glu)

Gene: ATP1A3 (ATPase Na+/K+ transporting subunit alpha 3; minus strand). Cytogenetic location: 19q13.2.
Variant type: single nucleotide variant.
Coding change: c.2415C>A on transcript NM_152296.5 (MANE Select); coding-DNA position 2415, C replaced by A.
Protein change: p.Asp805Glu; replaces aspartic acid 805 with glutamic acid.
Molecular consequence: missense variant.
Genome position (GRCh38, 1-based): chr19:41,970,391, G>T on the plus strand (C>A on the coding strand, the complement: ATP1A3 is on the minus strand). VCF-style: chr19-41970391-G-T. GRCh37 (hg19) VCF-style: chr19-42474543-G-T.
Other names: c.2448C>A, p.Asp816Glu (NM_001256213.2); c.2454C>A, p.Asp818Glu (NM_001256214.2); short protein forms D805E, D816E, D818E.
Identifiers: ClinVar variation 1333676 (VCV001333676.1), dbSNP rs606231439, ClinGen allele CA406039211.